The following is an entry in ClinVar:

NM_001111067.4(ACVR1):c.1124G>A (p.Arg375His)

Gene: ACVR1 (activin A receptor type 1; minus strand). Cytogenetic location: 2q24.1.
Variant type: single nucleotide variant.
Coding change: c.1124G>A on transcript NM_001111067.4 (MANE Select); coding-DNA position 1124, G replaced by A.
Protein change: p.Arg375His; replaces arginine 375 with histidine.
Molecular consequence: missense variant.
Genome position (GRCh38, 1-based): chr2:157,761,020, C>T on the plus strand (G>A on the coding strand, the complement: ACVR1 is on the minus strand). VCF-style: chr2-157761020-C-T. GRCh37 (hg19) VCF-style: chr2-158617532-C-T.
Other names: c.1124G>A, p.Arg375His (NM_001105.5, NM_001347663.1, NM_001347664.1 and 3 more transcripts); short protein forms R375H.
Identifiers: ClinVar variation 2875502 (VCV002875502.3), dbSNP rs387906590, ClinGen allele CA349189582.

ClinVar aggregate classification (germline): Uncertain significance (1 of 4 stars; one submission).

Allele frequency attached by ClinVar (database versions not stated): gnomAD exomes 0.00001.
gnomAD v4.1: 10 of 1,614,136 alleles (0.00062%); highest among the groups gnomAD compares: Non-Finnish European, 0.00085%; no homozygotes.

Submission:

Labcorp Genetics (formerly Invitae), Labcorp
Classification: Uncertain significance. Last evaluated: 2023-09-20. Review status: criteria provided, single submitter. Criteria: Invitae Variant Classification Sherloc (09022015). Collection method: clinical testing. Allele origin: germline.
Comment: This sequence change replaces arginine, which is basic and polar, with histidine, which is basic and polar, at codon 375 of the ACVR1 protein (p.Arg375His). This variant is not present in population databases (gnomAD no frequency). This variant has not been reported in the literature in individuals affected with ACVR1-related conditions. An algorithm developed to predict the effect of missense changes on protein structure and function (PolyPhen-2) suggests that this variant is likely to be disruptive. This variant disrupts the p.Arg375 amino acid residue in ACVR1. Other variant(s) that disrupt this residue have been determined to be pathogenic (PMID: 19085907, 22977237, 34854557). This suggests that this residue is clinically significant, and that variants that disrupt this residue are likely to be disease-causing. In summary, the available evidence is currently insufficient to determine the role of this variant in disease. Therefore, it has been classified as a Variant of Uncertain Significance.

Literature cited by the submitters: PubMed 19085907; PubMed 22977237; PubMed 34854557.